The following is an entry in ClinVar:

ClinVar aggregate classification (germline): Uncertain significance. Review status: criteria provided, multiple submitters, no conflicts (2 of 4 stars). 2 submissions from 2 submitters: Uncertain significance (2). Last evaluated 2025-09-30.

Conditions:
Atypical hemolytic-uremic syndrome. Identifiers: Orphanet 2134, MedGen C2931788, MONDO:0016244.

gnomAD v4.1: 9 of 1,613,888 alleles (0.00056%); highest among the groups gnomAD compares: East Asian, 0.0022%; no homozygotes.

Submissions (2):

Genomenon, Inc
Classification: Uncertain significance for Atypical hemolytic-uremic syndrome. Last evaluated: 2025-09-30. Review status: criteria provided, single submitter. Criteria: Genomenon Sequence Variant Interpretation Standards. Collection method: curation. Allele origin: germline. Affected: yes.
Comment: C3 p.Asp61Asn (c.181G>A) is a missense variant that changes the amino acid at residue 61 from Aspartic acid to Asparagine. This variant has been observed in at least one proband affected with atypical hemolytic-uremic syndrome (PMID:36845135;29282226). It is absent or not present at a significant frequency in gnomAD. In conclusion, we classify C3 p.Asp61Asn (c.181G>A) as a variant of unknown significance.

Women's Health and Genetics/Laboratory Corporation of America, LabCorp
Classification: Uncertain significance. Last evaluated: 2025-09-12. Review status: criteria provided, single submitter. Criteria: LabCorp Variant Classification Summary - May 2015. Collection method: clinical testing. Allele origin: germline.
Comment: Variant summary: C3 c.181G>A (p.Asp61Asn) results in a conservative amino acid change in the encoded protein sequence. Algorithms developed to predict the effect of missense changes on protein structure and function all suggest that this variant is likely to be tolerated. The variant allele was found at a frequency of 2e-05 in 251474 control chromosomes (gnomAD). c.181G>A has been observed in individuals affected with Genetic Atypical Hemolytic Uremic Syndrome (Gastoldi_2023). These data indicate that the variant may be associated with disease. To our knowledge, no experimental evidence demonstrating an impact on protein function has been reported. The following publication has been ascertained in the context of this evaluation (PMID: 36845135). No submitters have cited clinical-significance assessments for this variant to ClinVar. Based on the evidence outlined above, the variant was classified as VUS-possibly pathogenic.

Literature cited by the submitters: PubMed 36845135 (cited by Genomenon, Inc and Women's Health and Genetics/Laboratory Corporation of America, LabCorp); PubMed 29282226 (cited by Genomenon, Inc).

NM_000064.4(C3):c.181G>A (p.Asp61Asn)

Gene: C3 (complement C3; minus strand). Cytogenetic location: 19p13.3.
Variant type: single nucleotide variant.
Coding change: c.181G>A on transcript NM_000064.4 (MANE Select); coding-DNA position 181, G replaced by A.
Protein change: p.Asp61Asn; replaces aspartic acid 61 with asparagine.
Molecular consequence: missense variant.
Genome position (GRCh38, 1-based): chr19:6,719,297, C>T on the plus strand (G>A on the coding strand, the complement: C3 is on the minus strand). VCF-style: chr19-6719297-C-T. GRCh37 (hg19) VCF-style: chr19-6719308-C-T.
Other names: short protein forms D61N.
Identifiers: ClinVar variation 4280258 (VCV004280258.2).